The following is an entry in ClinVar:

NM_207122.2(EXT2):c.1807-51T>C

Gene: EXT2 (exostosin glycosyltransferase 2; plus strand). Cytogenetic location: 11p11.2.
Variant type: single nucleotide variant.
Coding change: c.1807-51T>C on transcript NM_207122.2 (MANE Select); 51 bases into the intron before coding-DNA position 1807, T replaced by C.
Molecular consequence: intron variant.
Genome position (GRCh38, 1-based): chr11:44,234,064, T>C. VCF-style: chr11-44234064-T-C. GRCh37 (hg19) VCF-style: chr11-44255614-T-C.
Other names: c.1837-51T>C (NM_001178083.3); c.1906-51T>C (NM_000401.3).
Identifiers: ClinVar variation 1166104 (VCV001166104.11), dbSNP rs11037909, ClinGen allele CA5955363.

ClinVar aggregate classification (germline): Benign. Review status: criteria provided, multiple submitters, no conflicts (2 of 4 stars). 3 submissions from 3 submitters: Benign (3). Last evaluated 2026-01-19.

Conditions:
Exostoses, multiple, type 2 (EXT2). Also called: Hereditary Multiple Osteochondromatosis, Type II; EXOSTOSES, MULTIPLE, TYPE II. Identifiers: Orphanet 321, MedGen C1851413, MONDO:0007586, OMIM 133701.

Allele frequency attached by ClinVar (database versions not stated): ESP Exome Variant Server 0.22539; gnomAD 0.25427 and 0.25988; TOPMed 0.26259; gnomAD exomes 0.29331 and 0.32077; ExAC 0.30650; 1000 Genomes Project 30x 0.31027; 1000 Genomes Project 0.31190.
gnomAD v4.1: 467,091 of 1,611,356 alleles (29%); highest among the groups gnomAD compares: Admixed American, 49%; 72,112 homozygotes.

Submissions (3):

Labcorp Genetics (formerly Invitae), Labcorp
Classification: Benign for Exostoses, multiple, type 2. Last evaluated: 2026-01-19. Review status: criteria provided, single submitter. Criteria: Invitae Variant Classification Sherloc (09022015). Collection method: clinical testing. Allele origin: germline.

GeneDx
Classification: Benign. Last evaluated: 2015-03-03. Review status: criteria provided, single submitter. Criteria: GeneDx Variant Classification Process June 2021. Collection method: clinical testing. Allele origin: germline. Affected: yes.
Comment: This variant is associated with the following publications: (PMID: 17293876, 23052945)

Breakthrough Genomics
Classification: Benign. Review status: criteria provided, single submitter. Criteria: ACMG Guidelines, 2015. Collection method: not provided. Allele origin: germline. Inheritance: Autosomal recessive inheritance. Affected: yes.